The following is an entry in ClinVar:

ClinVar aggregate classification (germline): Pathogenic/Likely pathogenic. Review status: criteria provided, multiple submitters, no conflicts (2 of 4 stars). 2 submissions from 2 submitters: Pathogenic (1); Likely pathogenic (1). Last evaluated 2025-05-09.

Conditions:
Sensory ataxic neuropathy, dysarthria, and ophthalmoparesis (SANDO). Also called: SENSORY ATAXIC NEUROPATHY WITH MITOCHONDRIAL DNA DELETIONS, AUTOSOMAL RECESSIVE; Epilepsy, progressive myoclonic, type 5; Sensory ataxic neuropathy-dysarthria-ophthalmoparesis syndrome; Ataxia Neuropathy Spectrum (ANS). Identifiers: Orphanet 70595, MedGen C1843851, MONDO:0011835, OMIM 607459.
POLG-related disorder. Also called: POLG-related condition; POLG-Related Disorders; POLG-Related Spectrum Disorders. Identifiers: MedGen C4763519.

Allele frequency attached by ClinVar (database versions not stated): TOPMed 0.00001.

Submissions (2):

Myriad Genetics, Inc.
Classification: Likely pathogenic for POLG-related disorder. Last evaluated: 2025-05-09. Review status: criteria provided, single submitter. Criteria: Myriad Autosomal Dominant, Autosomal Recessive and X-Linked Classification Criteria (2023). Collection method: clinical testing. Allele origin: unknown.
Comment: NM_002693.2(POLG):c.3630C>A(Y1210*) is a nonsense variant classified as likely pathogenic in the context of POLG-related disorders. Y1210* has been observed in cases with relevant disease (PMID: 33486010). Relevant functional assessments of this variant are not available in the literature. Y1210* has not been observed in referenced population frequency databases. In summary, NM_002693.2(POLG):c.3630C>A(Y1210*) is a nonsense variant that has been observed more frequently in cases with the relevant disease than in healthy populations. Please note: this variant was assessed in the context of healthy population screening.

Laboratory of Inherited Metabolic Diseases, Research centre for medical genetics
Classification: Pathogenic for Sensory ataxic neuropathy, dysarthria, and ophthalmoparesis. Last evaluated: 2019-07-17. Review status: criteria provided, single submitter. Criteria: ACMG Guidelines, 2015. Collection method: clinical testing. Allele origin: germline. Inheritance: Autosomal recessive inheritance. Affected: yes.
Comment: found in 1 SANDO patient in compound heterozygous with c.2243G>C (p.W748S), and in 1 Alpers syndrome patient in compound with c.1399G>A (p.Ala467Thr)

Literature cited by the submitters: PubMed 33486010 (cited by Myriad Genetics, Inc.).

NM_002693.3(POLG):c.3630C>A (p.Tyr1210Ter)

Gene: POLG (DNA polymerase gamma, catalytic subunit; minus strand). Cytogenetic location: 15q26.1.
Variant type: single nucleotide variant.
Coding change: c.3630C>A on transcript NM_002693.3 (MANE Select); coding-DNA position 3630, C replaced by A.
Protein change: p.Tyr1210Ter; replaces tyrosine 1210 with a stop codon.
Molecular consequence: nonsense.
Genome position (GRCh38, 1-based): chr15:89,317,389, G>T on the plus strand (C>A on the coding strand, the complement: POLG is on the minus strand). VCF-style: chr15-89317389-G-T. GRCh37 (hg19) VCF-style: chr15-89860620-G-T.
Other names: c.3630C>A, p.Tyr1210Ter (NM_001126131.2); short protein forms Y1210*.
Identifiers: ClinVar variation 694430 (VCV000694430.2), dbSNP rs139562274, ClinGen allele CA393747228.